The following is an entry in ClinVar:

NM_031229.4(RBCK1):c.149C>T (p.Ser50Phe)

Gene: RBCK1 (RANBP2-type and C3HC4-type zinc finger containing 1; plus strand). Cytogenetic location: 20p13.
Variant type: single nucleotide variant.
Coding change: c.149C>T on transcript NM_031229.4 (MANE Select); coding-DNA position 149, C replaced by T.
Protein change: p.Ser50Phe; replaces serine 50 with phenylalanine.
Molecular consequence: missense variant. On other transcripts: 5 prime UTR variant (1), non-coding transcript variant (1), intron variant (2).
Genome position (GRCh38, 1-based): chr20:410,007, C>T. VCF-style: chr20-410007-C-T. GRCh37 (hg19) VCF-style: chr20-390651-C-T.
Other names: c.-201C>T (NM_001323956.2); c.149C>T, p.Ser50Phe (NM_001323960.2); c.200C>T, p.Ser67Phe (NM_001410770.1); c.41+1228C>T (NM_006462.6); c.-183+1228C>T (NM_001323958.2); short protein forms S67F, S50F.
Identifiers: ClinVar variation 2908896 (VCV002908896.3), dbSNP rs1307466331, ClinGen allele CA407944325.

ClinVar aggregate classification (germline): Uncertain significance (1 of 4 stars; one submission).

Conditions:
Polyglucosan body myopathy type 1 (PGBM1). Also called: Polyglucosan body myopathy 1 with or without immunodeficiency; POLYGLUCOSAN BODY MYOPATHY WITHOUT IMMUNODEFICIENCY. Identifiers: Orphanet 329173, Orphanet 397937, MedGen C4014605, MONDO:0014389, OMIM 615895.

Allele frequency attached by ClinVar (database versions not stated): gnomAD exomes 0.00001.

Submission:

Labcorp Genetics (formerly Invitae), Labcorp
Classification: Uncertain significance for Polyglucosan body myopathy type 1. Last evaluated: 2023-10-05. Review status: criteria provided, single submitter. Criteria: Invitae Variant Classification Sherloc (09022015). Collection method: clinical testing. Allele origin: germline.
Comment: This sequence change replaces serine, which is neutral and polar, with phenylalanine, which is neutral and non-polar, at codon 50 of the RBCK1 protein (p.Ser50Phe). This variant is present in population databases (no rsID available, gnomAD 0.0009%). This variant has not been reported in the literature in individuals affected with RBCK1-related conditions. Advanced modeling of protein sequence and biophysical properties (such as structural, functional, and spatial information, amino acid conservation, physicochemical variation, residue mobility, and thermodynamic stability) performed at Invitae indicates that this missense variant is not expected to disrupt RBCK1 protein function. In summary, the available evidence is currently insufficient to determine the role of this variant in disease. Therefore, it has been classified as a Variant of Uncertain Significance.